The following is an entry in ClinVar:

NM_000059.4(BRCA2):c.128A>G (p.Asn43Ser)

Gene: BRCA2 (BRCA2 DNA repair associated; plus strand). Cytogenetic location: 13q13.1.
Variant type: single nucleotide variant.
Coding change: c.128A>G on transcript NM_000059.4 (MANE Select); coding-DNA position 128, A replaced by G.
Protein change: p.Asn43Ser; replaces asparagine 43 with serine.
Molecular consequence: missense variant.
Genome position (GRCh38, 1-based): chr13:32,319,137, A>G. VCF-style: chr13-32319137-A-G. GRCh37 (hg19) VCF-style: chr13-32893274-A-G.
Other names: short protein forms N43S.
Identifiers: ClinVar variation 873410 (VCV000873410.6), dbSNP rs2072285447, ClinGen allele CA387754236.

ClinVar aggregate classification (germline): Uncertain significance. Review status: criteria provided, multiple submitters, no conflicts (2 of 4 stars). 3 submissions from 3 submitters: Uncertain significance (2). 1 of the submissions does not count toward it. Last evaluated 2024-02-01.

Conditions:
Hereditary breast ovarian cancer syndrome. Also called: Hereditary breast and ovarian cancer syndrome (HBOC); Hereditary breast and/or ovarian cancer syndrome; Hereditary breast and ovarian cancer syndrome; Breast and ovarian cancer; BRCA1- and BRCA2-Associated Hereditary Breast and Ovarian Cancer; Hereditary breast and ovarian cancer. Identifiers: Orphanet 145, MedGen C0677776, MeSH D061325, MONDO:0003582. Disease mechanism: loss of function.

Submissions (3):

Labcorp Genetics (formerly Invitae), Labcorp
Classification: Uncertain significance for Hereditary breast ovarian cancer syndrome. Last evaluated: 2024-02-01. Review status: criteria provided, single submitter. Criteria: Invitae Variant Classification Sherloc (09022015). Collection method: clinical testing. Allele origin: germline.
Comment: This sequence change replaces asparagine, which is neutral and polar, with serine, which is neutral and polar, at codon 43 of the BRCA2 protein (p.Asn43Ser). This variant is not present in population databases (gnomAD no frequency). This variant has not been reported in the literature in individuals affected with BRCA2-related conditions. ClinVar contains an entry for this variant (Variation ID: 873410). Advanced modeling of protein sequence and biophysical properties (such as structural, functional, and spatial information, amino acid conservation, physicochemical variation, residue mobility, and thermodynamic stability) performed at Invitae indicates that this missense variant is not expected to disrupt BRCA2 protein function with a negative predictive value of 95%. RNA analysis performed to evaluate the impact of this missense change on mRNA splicing indicates it does not significantly alter splicing (PMID: 31843900; Invitae). In summary, the available evidence is currently insufficient to determine the role of this variant in disease. Therefore, it has been classified as a Variant of Uncertain Significance.

Women's Health and Genetics/Laboratory Corporation of America, LabCorp
Classification: Uncertain significance. Last evaluated: 2023-12-04. Review status: criteria provided, single submitter. Criteria: LabCorp Variant Classification Summary - May 2015. Collection method: clinical testing. Allele origin: germline.
Comment: Variant summary: BRCA2 c.128A>G (p.Asn43Ser) results in a conservative amino acid change in the encoded protein sequence. Five of five in-silico tools predict a benign effect of the variant on protein function. The variant was absent in 251278 control chromosomes (gnomAD). The available data on variant occurrences in the general population are insufficient to allow any conclusion about variant significance. c.128A>G has been reported in the literature in an individual(s) affected cancer without strong evidence of causality (Casadei_2019). This report does not provide unequivocal conclusions about association of the variant with Hereditary Breast And Ovarian Cancer Syndrome. To our knowledge, no experimental evidence demonstrating an impact on protein function has been reported. The following publication has been ascertained in the context of this evaluation (PMID: 31843900). One submitter has cited a clinical-significance assessment for this variant to ClinVar after 2014 and has classified the variant as benign. Based on the evidence outlined above, the variant was classified as uncertain significance.

King Laboratory, University of Washington
Classification: Benign. Last evaluated: 2019-09-01. Review status: no assertion criteria provided. Collection method: research. Allele origin: germline. Affected: yes. Not counted in ClinVar's aggregate classification.
Comment: Transcript analysis by cBROCA

Literature cited by the submitters: PubMed 31843900 (cited by 3 submitters).